The following is an entry in ClinVar:

NM_000053.4(ATP7B):c.265A>T (p.Met89Leu)

Gene: ATP7B (ATPase copper transporting beta; minus strand). Cytogenetic location: 13q14.3.
Variant type: single nucleotide variant.
Coding change: c.265A>T on transcript NM_000053.4 (MANE Select); coding-DNA position 265, A replaced by T.
Protein change: p.Met89Leu; replaces methionine 89 with leucine.
Molecular consequence: missense variant.
Genome position (GRCh38, 1-based): chr13:51,974,955, T>A on the plus strand (A>T on the coding strand, the complement: ATP7B is on the minus strand). VCF-style: chr13-51974955-T-A. GRCh37 (hg19) VCF-style: chr13-52549091-T-A.
Other names: c.265A>T, p.Met89Leu (NM_001406520.1, NM_001406521.1, NM_001406522.1 and 30 more transcripts); c.169A>T, p.Met57Leu (NM_001406530.1, NM_001406536.1, NM_001406539.1 and 4 more transcripts); short protein forms M57L, M89L.
Identifiers: ClinVar variation 3069927 (VCV003069927.1), dbSNP rs372516400, ClinGen allele CA388044695.
Genomic context (GRCh38, chr13:51,974,955, plus strand): 5'-GGCACACAACCGATGGCACATATTTCACAGTGGCACTGCCTTGTTCCAGGGAAACCTTCA[T>A]GCTGATGATGCCTTTCAAATTGGAAATCCTGTCCTCAATGGACTTCACACATGACTGGCA-3'
Protein context (NP_000044.2, residues 79-99): RISNLKGIIS[Met89Leu]KVSLEQGSAT

ClinVar aggregate classification (germline): Uncertain significance (1 of 4 stars; one submission).

Conditions:
Wilson disease (WND). Also called: Wilson's disease. Identifiers: Orphanet 905, MedGen C0019202, MONDO:0010200, OMIM 277900. Disease mechanism: loss of function.

Submission:

All of Us Research Program, National Institutes of Health
Classification: Uncertain significance for Wilson disease. Last evaluated: 2023-03-23. Review status: criteria provided, single submitter. Criteria: ACMG Guidelines, 2015. Collection method: clinical testing. Allele origin: germline. Inheritance: Autosomal recessive inheritance. Observed: 1 variant allele, 1 heterozygote.
Comment: This missense variant replaces methionine with leucine at codon 89 of the ATP7B protein. Computational prediction suggests that this variant may not impact protein structure and function (internally defined REVEL score threshold <= 0.5, PMID: 27666373). To our knowledge, functional studies have not been reported for this variant. This variant has not been reported in individuals affected with ATP7B-related disorders in the literature. This variant has not been identified in the general population by the Genome Aggregation Database (gnomAD). The available evidence is insufficient to determine the role of this variant in disease conclusively. Therefore, this variant is classified as a Variant of Uncertain Significance.

This study involves interpretation of variants in research participants for the purpose of population health screening. Participant phenotype was not available at the time of variant classification. Additional details can be found in publication PMID: 35346344, PMCID: PMC8962531